The following is an entry in ClinVar:

ClinVar aggregate classification (germline): Uncertain significance (1 of 4 stars; one submission).

Conditions:
RP1L1-related disorder. Also called: RP1L1-related condition.

gnomAD v4.1: 17 of 1,610,612 alleles (0.0011%); highest among the groups gnomAD compares: Admixed American, 0.005%; no homozygotes.

Submission:

PreventionGenetics, part of Exact Sciences
Classification: Uncertain significance for RP1L1-related condition. Last evaluated: 2026-05-06. Review status: criteria provided, single submitter. Criteria: ACMG Guidelines, 2015. Collection method: clinical testing. Allele origin: germline.
Comment: The RP1L1 c.4889C>G variant is predicted to result in the amino acid substitution p.Ser1630Cys. To our knowledge, this variant has not been reported in the literature. This variant is reported in 0.0058% of alleles in individuals of Latino descent in gnomAD. At this time, the clinical significance of this variant is uncertain due to the absence of conclusive functional and genetic evidence.

NM_178857.6(RP1L1):c.4889C>G (p.Ser1630Cys)

Gene: RP1L1 (RP1 like 1). Cytogenetic location: 8p23.1.
Variant type: single nucleotide variant.
Coding change: c.4889C>G on transcript NM_178857.6 (MANE Select); coding-DNA position 4889, C replaced by G.
Protein change: p.Ser1630Cys; replaces serine 1630 with cysteine.
Molecular consequence: missense variant.
Genome position (GRCh38, 1-based): chr8:10,609,209, G>C on the plus strand (C>G on the coding strand, the complement: RP1L1 is on the minus strand). VCF-style: chr8-10609209-G-C. GRCh37 (hg19) VCF-style: chr8-10466719-G-C.
Other names: short protein forms S1630C.
Identifiers: ClinVar variation 4982425 (VCV004982425.1).
Genomic context (GRCh38, chr8:10,609,209, plus strand): 5'-TCCTCGCCCAGCTGGCTCCCCAGGGCTGTGCTGAGGGCTGGCTCGTCCTCCAGGGTGAAG[G>C]AGAGGGGCCCCAGGCCCAGGGTCCGCTCAGAGAAGGCCGAGAGGTTTCGCAGGCCCCGGA-3'
Protein context (NP_849188.4, residues 1620-1640): SERTLGLGPL[Ser1630Cys]FTLEDEPALS